The following is an entry in ClinVar:

NM_003367.4(USF2):c.497G>A (p.Arg166Gln)

Gene: USF2 (upstream transcription factor 2, c-fos interacting; plus strand). Cytogenetic location: 19q13.12.
Variant type: single nucleotide variant.
Coding change: c.497G>A on transcript NM_003367.4 (MANE Select); coding-DNA position 497, G replaced by A.
Protein change: p.Arg166Gln; replaces arginine 166 with glutamine.
Molecular consequence: missense variant. On other transcripts: intron variant (1).
Genome position (GRCh38, 1-based): chr19:35,270,514, G>A. VCF-style: chr19-35270514-G-A. GRCh37 (hg19) VCF-style: chr19-35761417-G-A.
Other names: c.296G>A, p.Arg99Gln (NM_207291.3); c.229-245G>A (NM_001321150.2); short protein forms R166Q, R99Q.
Identifiers: ClinVar variation 161613 (VCV000161613.2), dbSNP rs193920819, ClinGen allele CA174452.

ClinVar aggregate classification (germline): Uncertain significance (0 of 4 stars; one submission).

Conditions:
Prostate cancer. Also called: Malignant tumor of prostate. Identifiers: Orphanet 1331, MedGen C0376358, MONDO:0008315, HP:0012125.

Allele frequency attached by ClinVar (database versions not stated): gnomAD exomes below 0.00001.

Submission:

Science for Life laboratory,  Karolinska Institutet
Classification: Uncertain significance for Malignant tumor of prostate. Review status: no assertion criteria provided. Collection method: not provided. Allele origin: somatic.
Comment: TumorID:SWE-13
ClinVar note: Converted during submission from Unknown to Uncertain significance.